The following is an entry in ClinVar:

NM_031220.4(PITPNM3):c.952C>T (p.Leu318Phe)

Gene: PITPNM3 (PITPNM family member 3; minus strand). Cytogenetic location: 17p13.2.
Variant type: single nucleotide variant.
Coding change: c.952C>T on transcript NM_031220.4 (MANE Select); coding-DNA position 952, C replaced by T.
Protein change: p.Leu318Phe; replaces leucine 318 with phenylalanine.
Molecular consequence: missense variant.
Genome position (GRCh38, 1-based): chr17:6,477,162, G>A on the plus strand (C>T on the coding strand, the complement: PITPNM3 is on the minus strand). VCF-style: chr17-6477162-G-A. GRCh37 (hg19) VCF-style: chr17-6380482-G-A.
Other names: c.844C>T, p.Leu282Phe (NM_001165966.2); short protein forms L282F, L318F.
Identifiers: ClinVar variation 839221 (VCV000839221.9), dbSNP rs1028175625, ClinGen allele CA287319622.

ClinVar aggregate classification (germline): Uncertain significance (1 of 4 stars; one submission).

Allele frequency attached by ClinVar (database versions not stated): gnomAD exomes below 0.00001.
gnomAD v4.1: 3 of 1,614,218 alleles (0.00019%); highest among the groups gnomAD compares: Admixed American, 0.0033%; no homozygotes.

Submission:

Labcorp Genetics (formerly Invitae), Labcorp
Classification: Uncertain significance. Last evaluated: 2022-05-21. Review status: criteria provided, single submitter. Criteria: Invitae Variant Classification Sherloc (09022015). Collection method: clinical testing. Allele origin: germline.
Comment: This sequence change replaces leucine, which is neutral and non-polar, with phenylalanine, which is neutral and non-polar, at codon 318 of the PITPNM3 protein (p.Leu318Phe). This variant is present in population databases (no rsID available, gnomAD no frequency). In summary, the available evidence is currently insufficient to determine the role of this variant in disease. Therefore, it has been classified as a Variant of Uncertain Significance. Algorithms developed to predict the effect of missense changes on protein structure and function are either unavailable or do not agree on the potential impact of this missense change (SIFT: "Tolerated"; PolyPhen-2: "Possibly Damaging"; Align-GVGD: "Class C0"). ClinVar contains an entry for this variant (Variation ID: 839221). This variant has not been reported in the literature in individuals affected with PITPNM3-related conditions.